The following is an entry in ClinVar:

ClinVar aggregate classification (germline): Pathogenic (1 of 4 stars; one submission).

Conditions:
TELO2-related intellectual disability-neurodevelopmental disorder. Also called: You-Hoover-Fong syndrome. Identifiers: Orphanet 488642, MedGen C4310778, MONDO:0014848, OMIM 616954.

Submission:

Juno Genomics, Hangzhou Juno Genomics, Inc
Classification: Pathogenic for TELO2-related intellectual disability-neurodevelopmental disorder. Review status: criteria provided, single submitter. Criteria: ACMG Guidelines, 2015. Collection method: clinical testing. Allele origin: germline.
Comment: Absent from controls (or at extremely low frequency if recessive) in Genome Aggregation Database.;Null variant in a gene where loss of function (LOF) is a known mechanism of disease.;For recessive disorders, detected in trans with a pathogenic variant.

NM_016111.4(TELO2):c.1514_1515del (p.Glu505fs)

Gene: TELO2 (telomere maintenance 2; plus strand). Cytogenetic location: 16p13.3.
Variant type: Microsatellite.
Coding change: c.1514_1515del on transcript NM_016111.4 (MANE Select); coding-DNA positions 1514 to 1515, 2 bases deleted (AG; older notation c.1514_1515delAG).
Protein change: p.Glu505fs; shifts the reading frame from glutamic acid 505.
Molecular consequence: frameshift variant.
Genome position (GRCh38, 1-based): chr16:1,502,088-1,502,089, AG deleted; deleting any 2 consecutive bases within chr16:1,502,084-1,502,089 gives the same sequence; the c. name uses the placement nearest the transcript's 3' end. VCF-style (leftmost placement, unchanged base first): chr16-1502083-CAG-C. GRCh37 (hg19) VCF-style: chr16-1552084-CAG-C.
Other names: c.1514_1515del, p.Glu505fs (NM_001351846.2); short protein forms E505fs.
Identifiers: ClinVar variation 5018651 (VCV005018651.2).